The following is an entry in ClinVar:

ClinVar aggregate classification (germline): Conflicting classifications of pathogenicity. Review status: criteria provided, conflicting classifications (1 of 4 stars). 4 submissions from 4 submitters: Uncertain significance (3); Benign (1). Last evaluated 2026-02-03.

Conditions:
Hereditary cancer-predisposing syndrome. Also called: Neoplastic Syndromes, Hereditary; Tumor predisposition; Hereditary neoplastic syndrome; Hereditary Cancer Syndrome. Identifiers: Orphanet 140162, MedGen C0027672, MeSH D009386, MONDO:0015356.
Multiple endocrine neoplasia type 4. Also called: MULTIPLE ENDOCRINE NEOPLASIA, TYPE IV. Identifiers: Orphanet 276152, MedGen C1970712, MONDO:0012552, OMIM 610755.

Allele frequency attached by ClinVar (database versions not stated): 1000 Genomes Project 30x 0.00031; 1000 Genomes Project 0.00040.

Submissions (4):

Labcorp Genetics (formerly Invitae), Labcorp
Classification: Uncertain significance for Multiple endocrine neoplasia type 4. Last evaluated: 2026-02-03. Review status: criteria provided, single submitter. Criteria: Invitae Variant Classification Sherloc (09022015). Collection method: clinical testing. Allele origin: germline.
Comment: This sequence change replaces proline, which is neutral and non-polar, with histidine, which is basic and polar, at codon 155 of the CDKN1B protein (p.Pro155His). This variant is present in population databases (rs143879243, gnomAD 0.03%). This variant has not been reported in the literature in individuals affected with CDKN1B-related conditions. ClinVar contains an entry for this variant (Variation ID: 239624). An algorithm developed to predict the effect of missense changes on protein structure and function (PolyPhen-2) suggests that this variant is likely to be disruptive. In summary, the available evidence is currently insufficient to determine the role of this variant in disease. Therefore, it has been classified as a Variant of Uncertain Significance.

GeneDx
Classification: Uncertain significance. Last evaluated: 2024-11-13. Review status: criteria provided, single submitter. Criteria: GeneDx Variant Classification Process June 2021. Collection method: clinical testing. Allele origin: germline. Affected: yes.
Comment: In silico analysis supports that this missense variant has a deleterious effect on protein structure/function; Has not been previously published as pathogenic or benign to our knowledge

Baylor Genetics
Classification: Uncertain significance for Multiple endocrine neoplasia type 4. Last evaluated: 2024-01-03. Review status: criteria provided, single submitter. Criteria: ACMG Guidelines, 2015. Collection method: clinical testing. Allele origin: unknown.

Ambry Genetics
Classification: Benign for Hereditary cancer-predisposing syndrome. Last evaluated: 2022-10-19. Review status: criteria provided, single submitter. Criteria: Ambry Variant Classification Scheme 2023. Collection method: clinical testing. Allele origin: germline.

NM_004064.5(CDKN1B):c.464C>A (p.Pro155His)

Gene: CDKN1B (cyclin dependent kinase inhibitor 1B; plus strand). Cytogenetic location: 12p13.1.
Variant type: single nucleotide variant.
Coding change: c.464C>A on transcript NM_004064.5 (MANE Select); coding-DNA position 464, C replaced by A.
Protein change: p.Pro155His; replaces proline 155 with histidine.
Molecular consequence: missense variant.
Genome position (GRCh38, 1-based): chr12:12,718,303, C>A. VCF-style: chr12-12718303-C-A. GRCh37 (hg19) VCF-style: chr12-12871237-C-A.
Other names: short protein forms P155H.
Identifiers: ClinVar variation 239624 (VCV000239624.15), dbSNP rs143879243, ClinGen allele CA6457504.
Genomic context (GRCh38, chr12:12,718,303, plus strand): 5'-CTGATCCGTCGGACAGCCAGACGGGGTTAGCGGAGCAATGCGCAGGAATAAGGAAGCGAC[C>A]TGCAACCGACGGTAATGACCCTTTCCCAACCATAGAATGTGTTTGGGGCCCCGCTTTGCC-3'
Protein context (NP_004055.1, residues 145-165): AEQCAGIRKR[Pro155His]ATDDSSTQNK